The following is an entry in ClinVar:

NM_201384.3(PLEC):c.11557G>A (p.Glu3853Lys)

Gene: PLEC (plectin; minus strand). Cytogenetic location: 8q24.3.
Variant type: single nucleotide variant.
Coding change: c.11557G>A on transcript NM_201384.3 (MANE Select); coding-DNA position 11557, G replaced by A.
Protein change: p.Glu3853Lys; replaces glutamic acid 3853 with lysine.
Molecular consequence: missense variant.
Genome position (GRCh38, 1-based): chr8:143,918,264, C>T on the plus strand (G>A on the coding strand, the complement: PLEC is on the minus strand). VCF-style: chr8-143918264-C-T. GRCh37 (hg19) VCF-style: chr8-144992432-C-T.
Other names: c.11638G>A, p.Glu3880Lys (NM_000445.5); c.8257G>A, p.Glu2753Lys (NM_001410941.1); c.11515G>A, p.Glu3839Lys (NM_201378.4); c.11491G>A, p.Glu3831Lys (NM_201379.3); c.11968G>A, p.Glu3990Lys (NM_201380.4); c.11461G>A, p.Glu3821Lys (NM_201381.3); c.11557G>A, p.Glu3853Lys (NM_201382.4); c.11569G>A, p.Glu3857Lys (NM_201383.3); short protein forms E2753K, E3839K, E3880K, E3821K, E3831K, E3857K, E3853K, E3990K.
Identifiers: ClinVar variation 2096632 (VCV002096632.7), dbSNP rs535152020, ClinGen allele CA4924315.

ClinVar aggregate classification (germline): Uncertain significance. Review status: criteria provided, multiple submitters, no conflicts (2 of 4 stars). 2 submissions from 2 submitters: Uncertain significance (2). Last evaluated 2025-08-22.

Conditions:
Epidermolysis bullosa simplex 5C, with pyloric atresia (EBS5C). Also called: PLEC-Related Epidermolysis Bullosa with Pyloric Atresia; Epidermolysis bullosa simplex with pyloric atresia; PLEC1-Related Epidermolysis Bullosa with Pyloric Atresia. Identifiers: Orphanet 158684, MedGen C2677349, MONDO:0012807, OMIM 612138.
Epidermolysis bullosa simplex 5B, with muscular dystrophy (EBS5B). Also called: Epidermolysis bullosa simplex with muscular dystrophy; EPIDERMOLYSIS BULLOSA SIMPLEX AND LIMB-GIRDLE MUSCULAR DYSTROPHY. Identifiers: Orphanet 257, MedGen C2931072, MONDO:0009181, OMIM 226670.
Epidermolysis bullosa simplex, Ogna type (EBS5A). Also called: Pidermolysis bullosa simplex 5A, Ogna type; EPIDERMOLYSIS BULLOSA SIMPLEX 5A, OGNA TYPE. Identifiers: Orphanet 79401, MedGen C0432317, MONDO:0007555, OMIM 131950.
Autosomal recessive limb-girdle muscular dystrophy type 2Q (LGMDR17). Also called: MUSCULAR DYSTROPHY, LIMB-GIRDLE, AUTOSOMAL RECESSIVE 17. Identifiers: Orphanet 254361, MedGen C3150989, MONDO:0013390, OMIM 613723.
Epidermolysis bullosa simplex with nail dystrophy (EBS5D). Identifiers: MedGen C4225309, MONDO:0014661, OMIM 616487.

Allele frequency attached by ClinVar (database versions not stated): gnomAD 0.00003; gnomAD exomes 0.00004; ExAC 0.00014; 1000 Genomes Project 30x 0.00016; 1000 Genomes Project 0.00020.
gnomAD v4.1: 61 of 1,591,582 alleles (0.0038%); highest among the groups gnomAD compares: South Asian, 0.037%; no homozygotes.

Submissions (2):

Labcorp Genetics (formerly Invitae), Labcorp
Classification: Uncertain significance for Autosomal recessive limb-girdle muscular dystrophy type 2Q; Epidermolysis bullosa simplex, Ogna type; Epidermolysis bullosa simplex with nail dystrophy; Epidermolysis bullosa simplex 5C, with pyloric atresia; Epidermolysis bullosa simplex 5B, with muscular dystrophy. Last evaluated: 2025-08-22. Review status: criteria provided, single submitter. Criteria: Invitae Variant Classification Sherloc (09022015). Collection method: clinical testing. Allele origin: germline.
Comment: This sequence change replaces glutamic acid, which is acidic and polar, with lysine, which is basic and polar, at codon 3880 of the PLEC protein (p.Glu3880Lys). This variant is present in population databases (rs535152020, gnomAD 0.05%). This variant has not been reported in the literature in individuals affected with PLEC-related conditions. ClinVar contains an entry for this variant (Variation ID: 2096632). An algorithm developed to predict the effect of missense changes on protein structure and function (PolyPhen-2) suggests that this variant is likely to be disruptive. In summary, the available evidence is currently insufficient to determine the role of this variant in disease. Therefore, it has been classified as a Variant of Uncertain Significance.

Revvity Omics, Revvity
Classification: Uncertain significance. Last evaluated: 2025-06-04. Review status: criteria provided, single submitter. Criteria: ACMG Guidelines, 2015. Collection method: clinical testing. Allele origin: germline.